The following is an entry in ClinVar:

ClinVar aggregate classification (germline): Uncertain significance (1 of 4 stars; one submission).

gnomAD v4.1: 20 of 1,614,080 alleles (0.0012%); highest among the groups gnomAD compares: South Asian, 0.0022%; no homozygotes.

Submission:

Labcorp Genetics (formerly Invitae), Labcorp
Classification: Uncertain significance. Last evaluated: 2025-12-21. Review status: criteria provided, single submitter. Criteria: Invitae Variant Classification Sherloc (09022015). Collection method: clinical testing. Allele origin: germline.
Comment: This sequence change replaces asparagine, which is neutral and polar, with serine, which is neutral and polar, at codon 322 of the PARS2 protein (p.Asn322Ser). This variant is present in population databases (rs775195000, gnomAD 0.0009%). This variant has not been reported in the literature in individuals affected with PARS2-related conditions. An algorithm developed to predict the effect of missense changes on protein structure and function outputs the following: PolyPhen-2: "Benign". The serine amino acid residue is found in multiple mammalian species, which suggests that this missense change does not adversely affect protein function. In summary, the available evidence is currently insufficient to determine the role of this variant in disease. Therefore, it has been classified as a Variant of Uncertain Significance.

NM_152268.4(PARS2):c.965A>G (p.Asn322Ser)

Gene: PARS2 (prolyl-tRNA synthetase 2, mitochondrial; minus strand). Cytogenetic location: 1p32.3.
Variant type: single nucleotide variant.
Coding change: c.965A>G on transcript NM_152268.4 (MANE Select); coding-DNA position 965, A replaced by G.
Protein change: p.Asn322Ser; replaces asparagine 322 with serine.
Molecular consequence: missense variant.
Genome position (GRCh38, 1-based): chr1:54,758,197, T>C on the plus strand (A>G on the coding strand, the complement: PARS2 is on the minus strand). VCF-style: chr1-54758197-T-C. GRCh37 (hg19) VCF-style: chr1-55223870-T-C.
Other names: short protein forms N322S.
Identifiers: ClinVar variation 4796937 (VCV004796937.1).